The following is an entry in ClinVar:

NM_001614.5(ACTG1):c.124-14G>A

Gene: ACTG1 (actin gamma 1; minus strand). Cytogenetic location: 17q25.3.
Variant type: single nucleotide variant.
Coding change: c.124-14G>A on transcript NM_001614.5 (MANE Select); 14 bases into the intron before coding-DNA position 124, G replaced by A.
Molecular consequence: intron variant.
Genome position (GRCh38, 1-based): chr17:81,512,156, C>T on the plus strand (G>A on the coding strand, the complement: ACTG1 is on the minus strand). VCF-style: chr17-81512156-C-T. GRCh37 (hg19) VCF-style: chr17-79479182-C-T.
Other names: c.124-14G>A (NM_001199954.3).
Identifiers: ClinVar variation 162722 (VCV000162722.15), dbSNP rs115307446, ClinGen allele CA175223.

ClinVar aggregate classification (germline): Benign. Review status: criteria provided, multiple submitters, no conflicts (2 of 4 stars). 6 submissions from 5 submitters: Benign (6). Last evaluated 2026-02-01.

Conditions:
Autosomal dominant nonsyndromic hearing loss 20. Identifiers: Orphanet 90635, MedGen C1858172, MONDO:0011480, OMIM 604717.
Baraitser-winter syndrome 2. Identifiers: Orphanet 2995, MedGen C3281235, MONDO:0013812, OMIM 614583.

Allele frequency attached by ClinVar (database versions not stated): gnomAD exomes 0.00273; ExAC 0.00334; ESP Exome Variant Server 0.01030; gnomAD 0.01042 and 0.01103; TOPMed 0.01169; 1000 Genomes Project 0.01238; 1000 Genomes Project 30x 0.01296.
gnomAD v4.1: 3,293 of 1,613,348 alleles (0.2%); highest among the groups gnomAD compares: African/African-American, 3.8%; 56 homozygotes.

Submissions (6):

Labcorp Genetics (formerly Invitae), Labcorp
Classification: Benign for Baraitser-winter syndrome 2; Autosomal dominant nonsyndromic hearing loss 20. Last evaluated: 2026-02-01. Review status: criteria provided, single submitter. Criteria: Invitae Variant Classification Sherloc (09022015). Collection method: clinical testing. Allele origin: germline.

Genome-Nilou Lab
Classification: Benign for Baraitser-winter syndrome 2. Last evaluated: 2021-12-05. Review status: criteria provided, single submitter. Criteria: ACMG Guidelines, 2015. Collection method: clinical testing. Allele origin: germline. Affected: no.

Genome-Nilou Lab
Classification: Benign for Autosomal dominant nonsyndromic hearing loss 20. Last evaluated: 2021-12-05. Review status: criteria provided, single submitter. Criteria: ACMG Guidelines, 2015. Collection method: clinical testing. Allele origin: germline. Affected: no.

GeneDx
Classification: Benign. Last evaluated: 2016-03-11. Review status: criteria provided, single submitter. Criteria: GeneDx Variant Classification (06012015). Collection method: clinical testing. Allele origin: germline. Affected: yes.
Comment: This variant is considered likely benign or benign based on one or more of the following criteria: it is a conservative change, it occurs at a poorly conserved position in the protein, it is predicted to be benign by multiple in silico algorithms, and/or has population frequency not consistent with disease.

Laboratory for Molecular Medicine, Mass General Brigham Personalized Medicine
Classification: Benign. Last evaluated: 2012-05-07. Review status: criteria provided, single submitter. Criteria: LMM Criteria. Collection method: clinical testing. Allele origin: germline. Observed: 12 variant alleles.
Comment: 124-14G>A in Intron 02 of ACTG1: This variant is not expected to have clinical s ignificance because it has been identified in 2.7% (100/3738) of African America n chromosomes from a broad population by the NHLBI Exome Sequencing Project (dbSNP rs115307446).

Breakthrough Genomics
Classification: Benign. Review status: criteria provided, single submitter. Criteria: ACMG Guidelines, 2015. Collection method: not provided. Allele origin: germline. Inheritance: Autosomal dominant inheritance. Affected: yes.